The following is an entry in ClinVar:

ClinVar aggregate classification (germline): Uncertain significance. Review status: criteria provided, multiple submitters, no conflicts (2 of 4 stars). 2 submissions from 2 submitters: Uncertain significance (2). Last evaluated 2025-09-20.

Conditions:
Hereditary cancer-predisposing syndrome. Also called: Hereditary Cancer Syndrome; Neoplastic Syndromes, Hereditary; Tumor predisposition; Hereditary neoplastic syndrome. Identifiers: Orphanet 140162, MedGen C0027672, MeSH D009386, MONDO:0015356.
Cardiovascular phenotype. Identifiers: MedGen CN230736.
Neurofibromatosis, type 1 (NF1). Also called: VON RECKLINGHAUSEN DISEASE; Peripheral type neurofibromatosis; Neurofibromatosis, type I; NEUROFIBROMATOSIS, TYPE I, SOMATIC. Identifiers: Orphanet 636, MedGen C0027831, MONDO:0018975, OMIM 162200. Disease mechanism: loss of function.

Allele frequency attached by ClinVar (database versions not stated): gnomAD exomes below 0.00001.
gnomAD v4.1: 1 of 1,613,850 alleles (0.000062%); highest among the groups gnomAD compares: Non-Finnish European, 0.000085%; no homozygotes.

Submissions (2):

Ambry Genetics
Classification: Uncertain significance for Cardiovascular phenotype; Hereditary cancer-predisposing syndrome. Last evaluated: 2025-09-20. Review status: criteria provided, single submitter. Criteria: Ambry Variant Classification Scheme 2023. Collection method: clinical testing. Allele origin: germline.
Comment: The p.A683V variant (also known as c.2048C>T), located in coding exon 18 of the NF1 gene, results from a C to T substitution at nucleotide position 2048. The alanine at codon 683 is replaced by valine, an amino acid with similar properties. This amino acid position is conserved. In addition, this alteration is predicted to be deleterious by in silico analysis. Based on the available evidence, the clinical significance of this variant remains unclear.

Labcorp Genetics (formerly Invitae), Labcorp
Classification: Uncertain significance for Neurofibromatosis, type 1. Last evaluated: 2021-04-05. Review status: criteria provided, single submitter. Criteria: Invitae Variant Classification Sherloc (09022015). Collection method: clinical testing. Allele origin: germline.
Comment: In summary, the available evidence is currently insufficient to determine the role of this variant in disease. Therefore, it has been classified as a Variant of Uncertain Significance. Advanced modeling of protein sequence and biophysical properties (such as structural, functional, and spatial information, amino acid conservation, physicochemical variation, residue mobility, and thermodynamic stability) performed at Invitae indicates that this missense variant is expected to disrupt NF1 protein function. This variant has not been reported in the literature in individuals with NF1-related conditions. This variant is not present in population databases (ExAC no frequency). This sequence change replaces alanine with valine at codon 683 of the NF1 protein (p.Ala683Val). The alanine residue is moderately conserved and there is a small physicochemical difference between alanine and valine.

NM_001042492.3(NF1):c.2048C>T (p.Ala683Val)

Gene: NF1 (neurofibromin 1; plus strand). Cytogenetic location: 17q11.2.
Variant type: single nucleotide variant.
Coding change: c.2048C>T on transcript NM_001042492.3 (MANE Select); coding-DNA position 2048, C replaced by T.
Protein change: p.Ala683Val; replaces alanine 683 with valine.
Molecular consequence: missense variant.
Genome position (GRCh38, 1-based): chr17:31,226,481, C>T. VCF-style: chr17-31226481-C-T. GRCh37 (hg19) VCF-style: chr17-29553499-C-T.
Other names: c.2048C>T, p.Ala683Val (NM_000267.4); short protein forms A683V.
Identifiers: ClinVar variation 1351061 (VCV001351061.9), dbSNP rs1284070052, ClinGen allele CA398982083.
Genomic context (GRCh38, chr17:31,226,481, plus strand): 5'-CCCTTGACTCTCAGGATAGTGCAGCAGGATGCAGCGGAACCCCCCCGATTTGCCGACAAG[C>T]CCAGACCAAACTAGAAGTGGCCCTGTACATGTTTCTGTGGAACCCTGACACTGAAGCTGT-3'
Protein context (NP_001035957.1, residues 673-693): CSGTPPICRQ[Ala683Val]QTKLEVALYM